The following is an entry in ClinVar:

ClinVar aggregate classification (germline): Uncertain significance (1 of 4 stars; one submission).

Conditions:
Developmental and epileptic encephalopathy, 65. Also called: EPILEPTIC ENCEPHALOPATHY, EARLY INFANTILE, 65. Identifiers: MedGen C4693925, MONDO:0033374, OMIM 618008.

Submission:

University of Washington Department of Laboratory Medicine, University of Washington
Classification: Uncertain significance for Developmental and epileptic encephalopathy, 65. Last evaluated: 2022-09-20. Review status: criteria provided, single submitter. Criteria: ACMG Guidelines, 2015. Collection method: clinical testing. Allele origin: unknown. Affected: yes.
Comment: The p.Phe1203Leufs*15 variant in the CYFIP2 gene has not been previously reported in association with disease and was absent from large population databases, including the Genome Aggregation Database. The p.Phe1203Leufs*15 variant results in a 2bp deletion in exon 31 of 32, >50bp from the end of the penultimate exon of the CYFIP2 gene, which causes a shift in the protein reading frame leading to a premature termination codon 15 amino acids downstream. It is uncertain if premature termination at this location is predicted to undergo nonsense-mediated decay or produce a truncated protein. Loss of CYFIP2 function is not currently an established mechanism of disease; however, data from the Genome Aggregation Database suggests this gene is intolerant to variants that result in loss-of-function. Using ACMG guidelines, this variant was classified as a variant of uncertain significance (ACMG evidence codes used: PVS1_moderate, PM2_supporting).

NM_001037333.3(CYFIP2):c.3534_3535del (p.Phe1178fs)

Genes: CYFIP2 (cytoplasmic FMR1 interacting protein 2; plus strand), NIPAL4-DT (NIPAL4 divergent transcript; minus strand), LOC126807569 (P300/CBP strongly-dependent group 1 enhancer GRCh37_chr5:156817055-156818254; plus strand). Cytogenetic location: 5q33.3.
Variant type: Deletion.
Coding change: c.3534_3535del on transcript NM_001037333.3 (MANE Select); coding-DNA positions 3534 to 3535, 2 bases deleted (CT; older notation c.3534_3535delCT).
Protein change: p.Phe1178fs; shifts the reading frame from phenylalanine 1178.
Molecular consequence: frameshift variant.
Genome position (GRCh38, 1-based): chr5:157,390,608-157,390,609, CT deleted; deleting any 2 consecutive bases within chr5:157,390,607-157,390,609 gives the same sequence; the c. name uses the placement nearest the transcript's 3' end. VCF-style (leftmost placement, unchanged base first): chr5-157390606-TTC-T. GRCh37 (hg19) VCF-style: chr5-156817614-TTC-T.
Other names: c.3456_3457del, p.Phe1152fs (NM_001291721.2); c.3609_3610del, p.Phe1203fs (NM_001291722.2); c.3534_3535del, p.Phe1178fs (NM_014376.4); c.3609_3610del (NM_001291722.1); short protein forms F1152fs, F1178fs, F1203fs.
Identifiers: ClinVar variation 3777184 (VCV003777184.1).